The following is an entry in ClinVar:

NM_004655.4(AXIN2):c.1900C>A (p.Pro634Thr)

Gene: AXIN2 (axin 2; minus strand). Cytogenetic location: 17q24.1.
Variant type: single nucleotide variant.
Coding change: c.1900C>A on transcript NM_004655.4 (MANE Select); coding-DNA position 1900, C replaced by A.
Protein change: p.Pro634Thr; replaces proline 634 with threonine.
Molecular consequence: missense variant. On other transcripts: intron variant (1).
Genome position (GRCh38, 1-based): chr17:65,536,876, G>T on the plus strand (C>A on the coding strand, the complement: AXIN2 is on the minus strand). VCF-style: chr17-65536876-G-T. GRCh37 (hg19) VCF-style: chr17-63532994-G-T.
Other names: c.1900C>A (LRG_296t1); c.1713-323C>A (NM_001363813.1); short protein forms P634T.
Identifiers: ClinVar variation 421631 (VCV000421631.7), dbSNP rs141699123, ClinGen allele CA16620566.
Genomic context (GRCh38, chr17:65,536,876, plus strand): 5'-CGTACTGAGTGCCCATGACCCTCGCGGCCGCGGCGGCGGCAAGCGGTGTTTACCTATGGG[G>T]CTTGGGCTTGCTCTGCCGCTCACTCTCCAGCATCCACTGCCAGACATCCTGCGACCTGTC-3'
Protein context (NP_004646.3, residues 624-644): LESERQSKPK[Pro634Thr]HSAQSTKKAY

ClinVar aggregate classification (germline): Uncertain significance. Review status: criteria provided, multiple submitters, no conflicts (2 of 4 stars). 3 submissions from 3 submitters: Uncertain significance (3). Last evaluated 2024-08-07.

Conditions:
Hereditary cancer-predisposing syndrome. Also called: Hereditary neoplastic syndrome; Neoplastic Syndromes, Hereditary; Tumor predisposition; Hereditary Cancer Syndrome. Identifiers: Orphanet 140162, MedGen C0027672, MeSH D009386, MONDO:0015356.
Oligodontia-cancer predisposition syndrome. Also called: TOOTH AGENESIS-COLORECTAL CANCER SYNDROME. Identifiers: Orphanet 300576, MedGen C1837750, MONDO:0012075, OMIM 608615. Disease mechanism: loss of function.

gnomAD v4.1: 1 of 1,613,230 alleles (0.000062%); highest among the groups gnomAD compares: South Asian, 0.0011%; no homozygotes.

Submissions (3):

Labcorp Genetics (formerly Invitae), Labcorp
Classification: Uncertain significance for Oligodontia-cancer predisposition syndrome. Last evaluated: 2024-08-07. Review status: criteria provided, single submitter. Criteria: Invitae Variant Classification Sherloc (09022015). Collection method: clinical testing. Allele origin: germline.
Comment: This sequence change replaces proline, which is neutral and non-polar, with threonine, which is neutral and polar, at codon 634 of the AXIN2 protein (p.Pro634Thr). This variant is not present in population databases (gnomAD no frequency). This variant has not been reported in the literature in individuals affected with AXIN2-related conditions. ClinVar contains an entry for this variant (Variation ID: 421631). Advanced modeling of protein sequence and biophysical properties (such as structural, functional, and spatial information, amino acid conservation, physicochemical variation, residue mobility, and thermodynamic stability) performed at Invitae indicates that this missense variant is not expected to disrupt AXIN2 protein function with a negative predictive value of 80%. In summary, the available evidence is currently insufficient to determine the role of this variant in disease. Therefore, it has been classified as a Variant of Uncertain Significance.

Ambry Genetics
Classification: Uncertain significance for Hereditary cancer-predisposing syndrome. Last evaluated: 2024-03-25. Review status: criteria provided, single submitter. Criteria: Ambry Variant Classification Scheme 2023. Collection method: clinical testing. Allele origin: germline.
Comment: The p.P634T variant (also known as c.1900C>A), located in coding exon 6 of the AXIN2 gene, results from a C to A substitution at nucleotide position 1900. The proline at codon 634 is replaced by threonine, an amino acid with highly similar properties. This amino acid position is conserved. In addition, this alteration is predicted to be tolerated by in silico analysis. Based on the available evidence, the clinical significance of this alteration remains unclear.

GeneDx
Classification: Uncertain significance. Last evaluated: 2016-07-13. Review status: criteria provided, single submitter. Criteria: GeneDx Variant Classification (06012015). Collection method: clinical testing. Allele origin: germline. Affected: yes.
Comment: This variant is denoted AXIN2 c.1900C>A at the cDNA level, p.Pro634Thr (P634T) at the protein level, and results in the change of a Proline to a Threonine (CCC>ACC). This variant has not, to our knowledge, been published in the literature as pathogenic or benign. AXIN2 Pro634Thr was not observed in approximately 6,500 individuals of European and African American ancestry in the NHLBI Exome Sequencing Project, suggesting it is not a common benign variant in these populations. Since Proline and Threonine differ in polarity, charge, size or other properties, this is considered a non-conservative amino acid substitution. AXIN2 Pro634Thr occurs at a position that is conserved in mammals and is not located in a known functional domain (Salahshor 2005). In silico analyses are inconsistent regarding the effect this variant may have on protein structure and function. Based on currently available evidence, it is unclear whether AXIN2 Pro634Thr is a pathogenic or benign variant. We consider it to be a variant of uncertain significance.